The following is an entry in ClinVar:

NM_016599.5(MYOZ2):c.132G>T (p.Leu44Phe)

Gene: MYOZ2 (myozenin 2; plus strand). Cytogenetic location: 4q26.
Variant type: single nucleotide variant.
Coding change: c.132G>T on transcript NM_016599.5 (MANE Select); coding-DNA position 132, G replaced by T.
Protein change: p.Leu44Phe; replaces leucine 44 with phenylalanine.
Molecular consequence: missense variant.
Genome position (GRCh38, 1-based): chr4:119,150,927, G>T. VCF-style: chr4-119150927-G-T. GRCh37 (hg19) VCF-style: chr4-120072082-G-T.
Other names: short protein forms L44F.
Identifiers: ClinVar variation 3226913 (VCV003226913.1), dbSNP rs1578729926, ClinGen allele CA358203507.
Genomic context (GRCh38, chr4:119,150,927, plus strand): 5'-TACAGATGTTGATGGCATGGACCTGGGCAAAAAGGTCAGCATCCCCAGAGACATCATGTT[G>T]GAAGAATTATCCCATCTCAGTAACCGTGGTGCCAGGCTATTTAAGATGCGTCAAAGAAGA-3'
Protein context (NP_057683.1, residues 34-54): KKVSIPRDIM[Leu44Phe]EELSHLSNRG

ClinVar aggregate classification (germline): Uncertain significance (1 of 4 stars; one submission).

Conditions:
Cardiovascular phenotype. Identifiers: MedGen CN230736.

Allele frequency attached by ClinVar (database versions not stated): gnomAD exomes below 0.00001.

Submission:

Ambry Genetics
Classification: Uncertain significance for Cardiovascular phenotype. Last evaluated: 2024-03-11. Review status: criteria provided, single submitter. Criteria: Ambry Variant Classification Scheme 2023. Collection method: clinical testing. Allele origin: germline.
Comment: The p.L44F variant (also known as c.132G>T), located in coding exon 2 of the MYOZ2 gene, results from a G to T substitution at nucleotide position 132. The leucine at codon 44 is replaced by phenylalanine, an amino acid with highly similar properties. This amino acid position is conserved. In addition, the in silico prediction for this alteration is inconclusive. Based on the available evidence, the clinical significance of this alteration remains unclear.